The following is an entry in ClinVar:

ClinVar aggregate classification (germline): Likely benign. Review status: criteria provided, multiple submitters, no conflicts (2 of 4 stars). 3 submissions from 3 submitters: Likely benign (2). 1 of the submissions does not count toward it. Last evaluated 2025-12-18.

Conditions:
LONP1-related disorder. Also called: LONP1-related disorders; LONP1-related condition.

Allele frequency attached by ClinVar (database versions not stated): ExAC 0.00009; gnomAD exomes 0.00009 and 0.00011; ESP Exome Variant Server 0.00023; gnomAD 0.00032 and 0.00038; TOPMed 0.00032.
gnomAD v4.1: 209 of 1,614,014 alleles (0.013%); highest among the groups gnomAD compares: African/African-American, 0.11%; no homozygotes.

Submissions (3):

Labcorp Genetics (formerly Invitae), Labcorp
Classification: Likely benign. Last evaluated: 2025-12-18. Review status: criteria provided, single submitter. Criteria: Invitae Variant Classification Sherloc (09022015). Collection method: clinical testing. Allele origin: germline.

CeGaT Center for Human Genetics Tuebingen
Classification: Likely benign. Last evaluated: 2025-12-01. Review status: criteria provided, single submitter. Criteria: CeGaT Center For Human Genetics Tuebingen Variant Classification Criteria Version 2. Collection method: clinical testing. Allele origin: germline. Affected: yes. Observed: 1 variant allele.
Comment: LONP1: BP4, BP7

PreventionGenetics, part of Exact Sciences
Classification: Likely benign for LONP1-related condition. Last evaluated: 2022-11-29. Review status: no assertion criteria provided. Collection method: clinical testing. Allele origin: germline. Not counted in ClinVar's aggregate classification.
Comment: This variant is classified as likely benign based on ACMG/AMP sequence variant interpretation guidelines (Richards et al. 2015 PMID: 25741868, with internal and published modifications).

NM_004793.4(LONP1):c.528G>A (p.Ser176=)

Gene: LONP1 (lon peptidase 1, mitochondrial; minus strand). Cytogenetic location: 19p13.3.
Variant type: single nucleotide variant.
Coding change: c.528G>A on transcript NM_004793.4 (MANE Select); coding-DNA position 528, G replaced by A.
Protein change: p.Ser176=; no amino-acid change (serine 176 retained).
Molecular consequence: synonymous variant. On other transcripts: 5 prime UTR variant (1), non-coding transcript variant (1).
Genome position (GRCh38, 1-based): chr19:5,713,244, C>T on the plus strand (G>A on the coding strand, the complement: LONP1 is on the minus strand). VCF-style: chr19-5713244-C-T. GRCh37 (hg19) VCF-style: chr19-5713255-C-T.
Other names: c.528G>A (NM_004793.3); c.336G>A, p.Ser112= (NM_001276479.2); c.-61G>A (NM_001276480.1).
Identifiers: ClinVar variation 1673481 (VCV001673481.16), dbSNP rs147695228, ClinGen allele CA9115080.
Genomic context (GRCh38, chr19:5,713,244, plus strand): 5'-CTCATGGATCTGGGCAAACGTCCCCGTGTGGTAGATTTCATCCAGGCTCTCGACCACATC[C>T]GACTCATTGCTGTGGGAGAAGAGCACAGAGGAATGTTGGAACATGGCTTTCATGCTAGGC-3'
Protein context (NP_004784.2, residues 166-186): VFLKRDDSNE[Ser176=]DVVESLDEIY